The following is an entry in ClinVar:

ClinVar aggregate classification (germline): Benign/Likely benign. Review status: criteria provided, multiple submitters, no conflicts (2 of 4 stars). 3 submissions from 3 submitters: Benign (1); Likely benign (2). Last evaluated 2026-02-03.

Allele frequency attached by ClinVar (database versions not stated): gnomAD exomes 0.00022 and 0.00055; ExAC 0.00076; 1000 Genomes Project 30x 0.00234; 1000 Genomes Project 0.00240; gnomAD 0.00255 and 0.00267; TOPMed 0.00271; ESP Exome Variant Server 0.00300.
gnomAD v4.1: 711 of 1,607,038 alleles (0.044%); highest among the groups gnomAD compares: African/African-American, 0.89%; 6 homozygotes.

Submissions (7):

Women's Health and Genetics/Laboratory Corporation of America, LabCorp
Classification: Likely benign. Last evaluated: 2026-02-03. Review status: criteria provided, single submitter. Criteria: LabCorp Variant Classification Summary - May 2015. Collection method: clinical testing. Allele origin: germline.
Comment: Variant summary: PSMG2 c.154A>G (p.Arg52Gly) results in a non-conservative amino acid change in the encoded protein sequence. Algorithms developed to predict the effect of missense changes on protein structure and function are either unavailable or do not agree on the potential impact of this missense change. The variant allele was found at a frequency of 0.00055 in 250588 control chromosomes, predominantly at a frequency of 0.008 within the African or African-American subpopulation in the gnomAD database, including 1 homozygotes. The observed variant frequency within African or African-American control individuals in the gnomAD database exceeds the estimated maximal expected allele frequency for disease-causing variants in PSMG2. To our knowledge, no occurrence of c.154A>G in individuals affected with PSMG2-related conditions and no experimental evidence demonstrating its impact on protein function have been reported. ClinVar contains an entry for this variant (Variation ID: 1169069). Based on the evidence outlined above, the variant was classified as likely benign.

Labcorp Genetics (formerly Invitae), Labcorp
Classification: Benign. Last evaluated: 2026-01-24. Review status: criteria provided, single submitter. Criteria: Invitae Variant Classification Sherloc (09022015). Collection method: clinical testing. Allele origin: germline.

Blueprint Genetics
Classification: Likely benign. Last evaluated: 2024-10-24. Review status: criteria provided, single submitter. Criteria: ACMG Guidelines, 2015. Collection method: clinical testing. Allele origin: germline.

Dr. Peter K. Rogan Lab, Western University
No classification provided (evidence only). Condition: Familial cancer of breast. Review status: no classification provided. Collection method: in vitro. Allele origin: not applicable. Functional consequence: retained intron. Not counted in ClinVar's aggregate classification.

Dr. Peter K. Rogan Lab, Western University
No classification provided (evidence only). Condition: Thyroid cancer, nonmedullary, 1. Review status: no classification provided. Collection method: in vitro. Allele origin: not applicable. Functional consequence: retained intron. Not counted in ClinVar's aggregate classification.

Dr. Peter K. Rogan Lab, Western University
No classification provided (evidence only). Condition: Uterine corpus endometrial carcinoma. Review status: no classification provided. Collection method: in vitro. Allele origin: not applicable. Functional consequence: retained intron. Not counted in ClinVar's aggregate classification.

Dr. Peter K. Rogan Lab, Western University
No classification provided (evidence only). Condition: Sarcoma. Review status: no classification provided. Collection method: in vitro. Allele origin: not applicable. Functional consequence: retained intron. Not counted in ClinVar's aggregate classification.

NM_020232.5(PSMG2):c.247A>G (p.Arg83Gly)

Gene: PSMG2 (proteasome assembly chaperone 2; plus strand). Cytogenetic location: 18p11.21.
Variant type: single nucleotide variant.
Coding change: c.247A>G on transcript NM_020232.5 (MANE Select); coding-DNA position 247, A replaced by G.
Protein change: p.Arg83Gly; replaces arginine 83 with glycine.
Molecular consequence: missense variant.
Genome position (GRCh38, 1-based): chr18:12,712,719, A>G. VCF-style: chr18-12712719-A-G. GRCh37 (hg19) VCF-style: chr18-12712718-A-G.
Other names: c.154A>G, p.Arg52Gly (NM_147163.2); short protein forms R52G, R83G.
Identifiers: ClinVar variation 1169069 (VCV001169069.12), dbSNP rs144450904, ClinGen allele CA8898340.